The following is an entry in ClinVar:

NM_000179.3(MSH6):c.344T>C (p.Phe115Ser)

Gene: MSH6 (mutS homolog 6; plus strand). Cytogenetic location: 2p16.3.
Variant type: single nucleotide variant.
Coding change: c.344T>C on transcript NM_000179.3 (MANE Select); coding-DNA position 344, T replaced by C.
Protein change: p.Phe115Ser; replaces phenylalanine 115 with serine.
Molecular consequence: missense variant. On other transcripts: 5 prime UTR variant (2), intron variant (1).
Genome position (GRCh38, 1-based): chr2:47,791,010, T>C. VCF-style: chr2-47791010-T-C. GRCh37 (hg19) VCF-style: chr2-48018149-T-C.
Other names: c.-393T>C (NM_001281493.2); c.-559T>C (NM_001281494.2); c.237+7540T>C (NM_001281492.2); short protein forms F115S.
Identifiers: ClinVar variation 483879 (VCV000483879.19), dbSNP rs781271765, ClinGen allele CA070972.

ClinVar aggregate classification (germline): Conflicting classifications of pathogenicity. Review status: criteria provided, conflicting classifications (1 of 4 stars). 5 submissions from 5 submitters: Uncertain significance (4); Likely benign (1). Last evaluated 2025-03-22.

Conditions:
Hereditary nonpolyposis colorectal neoplasms. Identifiers: MedGen C0009405, MeSH D003123.
Hereditary cancer-predisposing syndrome. Also called: Neoplastic Syndromes, Hereditary; Tumor predisposition; Hereditary Cancer Syndrome; Hereditary neoplastic syndrome. Identifiers: Orphanet 140162, MedGen C0027672, MeSH D009386, MONDO:0015356.
Lynch syndrome. Identifiers: Orphanet 144, MedGen C4552100, MONDO:0005835. Disease mechanism: loss of function.
Lynch syndrome 5 (LYNCH5). Also called: Colorectal cancer, hereditary nonpolyposis, type 5; Hereditary non-polyposis colorectal cancer, type 5. Identifiers: Orphanet 144, MedGen C1833477, MONDO:0013710, OMIM 614350. Disease mechanism: loss of function.

Allele frequency attached by ClinVar (database versions not stated): gnomAD exomes below 0.00001; ExAC 0.00001.

Submissions (5):

Ambry Genetics
Classification: Uncertain significance for Hereditary cancer-predisposing syndrome. Last evaluated: 2025-03-22. Review status: criteria provided, single submitter. Criteria: Ambry Variant Classification Scheme 2023. Collection method: clinical testing. Allele origin: germline.
Comment: The p.F115S variant (also known as c.344T>C), located in coding exon 2 of the MSH6 gene, results from a T to C substitution at nucleotide position 344. The phenylalanine at codon 115 is replaced by serine, an amino acid with highly dissimilar properties. This amino acid position is not well conserved in available vertebrate species. In addition, this alteration is predicted to be tolerated by in silico analysis. In addition, the CoDP in silico tool predicts this alteration to have minor impact on molecular function, with a score of 0.002 (Terui H et al. J. Biomed. Sci. 2013 Apr;20:25). Since supporting evidence is limited at this time, the clinical significance of this alteration remains unclear.

Myriad Genetics, Inc.
Classification: Likely benign for Lynch syndrome 5. Last evaluated: 2024-12-18. Review status: criteria provided, single submitter. Criteria: Myriad Autosomal Dominant, Autosomal Recessive and X-Linked Classification Criteria (2023). Collection method: clinical testing. Allele origin: unknown.
Comment: This variant is considered likely benign. This variant has been observed in trans with a known pathogenic variant in one or more individuals lacking clinical features consistent with gene-specific recessive disease.

Color Diagnostics, LLC DBA Color Health
Classification: Uncertain significance for Hereditary cancer-predisposing syndrome. Last evaluated: 2024-11-18. Review status: criteria provided, single submitter. Criteria: ACMG Guidelines, 2015. Collection method: clinical testing. Allele origin: germline.
Comment: This missense variant replaces phenylalanine with serine at codon 115 of the MSH6 protein. Computational prediction suggests that this variant may not impact protein structure and function (internally defined REVEL score threshold <= 0.5, PMID: 27666373). To our knowledge, functional studies have not been reported for this variant. This variant has not been reported in individuals affected with MSH6-related disorders in the literature. This variant has not been identified in the general population by the Genome Aggregation Database (gnomAD). The available evidence is insufficient to determine the role of this variant in disease conclusively. Therefore, this variant is classified as a Variant of Uncertain Significance.

Labcorp Genetics (formerly Invitae), Labcorp
Classification: Uncertain significance for Hereditary nonpolyposis colorectal neoplasms. Last evaluated: 2024-11-12. Review status: criteria provided, single submitter. Criteria: Invitae Variant Classification Sherloc (09022015). Collection method: clinical testing. Allele origin: germline.
Comment: This sequence change replaces phenylalanine, which is neutral and non-polar, with serine, which is neutral and polar, at codon 115 of the MSH6 protein (p.Phe115Ser). This variant is present in population databases (rs781271765, gnomAD 0.004%). This variant has not been reported in the literature in individuals affected with MSH6-related conditions. ClinVar contains an entry for this variant (Variation ID: 483879). Invitae Evidence Modeling of protein sequence and biophysical properties (such as structural, functional, and spatial information, amino acid conservation, physicochemical variation, residue mobility, and thermodynamic stability) indicates that this missense variant is not expected to disrupt MSH6 protein function with a negative predictive value of 95%. In summary, the available evidence is currently insufficient to determine the role of this variant in disease. Therefore, it has been classified as a Variant of Uncertain Significance.

All of Us Research Program, National Institutes of Health
Classification: Uncertain significance for Lynch syndrome. Last evaluated: 2023-05-04. Review status: criteria provided, single submitter. Criteria: ACMG Guidelines, 2015. Collection method: clinical testing. Allele origin: germline. Inheritance: Autosomal dominant inheritance. Observed: 1 variant allele, 1 heterozygote.
Comment: This missense variant replaces phenylalanine with serine at codon 115 of the MSH6 protein. Computational prediction suggests that this variant may not impact protein structure and function (internally defined REVEL score threshold <= 0.5, PMID: 27666373). To our knowledge, functional studies have not been reported for this variant. This variant has not been reported in individuals affected with MSH6-related disorders in the literature. This variant has not been identified in the general population by the Genome Aggregation Database (gnomAD). The available evidence is insufficient to determine the role of this variant in disease conclusively. Therefore, this variant is classified as a Variant of Uncertain Significance.

This study involves interpretation of variants in research participants for the purpose of population health screening. Participant phenotype was not available at the time of variant classification. Additional details can be found in publication PMID: 35346344, PMCID: PMC8962531